The following is an entry in ClinVar:

ClinVar aggregate classification (germline): Uncertain significance (1 of 4 stars; one submission).

Conditions:
Ellis-van Creveld syndrome (EVC). Also called: EVC-Related Ellis-van Creveld Syndrome; EVC2-Related Ellis-van Creveld Syndrome; MESOECTODERMAL DYSPLASIA; Chondroectodermal dysplasia. Identifiers: Orphanet 289, MedGen C0013903, MONDO:0009162, OMIM 225500.
Curry-Hall syndrome (WAD). Also called: WEYERS ACRODENTAL DYSOSTOSIS. Identifiers: Orphanet 952, MedGen C0457013, MONDO:0008673, OMIM 193530.

gnomAD v4.1: 3 of 1,488,916 alleles (0.0002%); highest among the groups gnomAD compares: South Asian, 0.0013%; no homozygotes.

Submission:

Labcorp Genetics (formerly Invitae), Labcorp
Classification: Uncertain significance for Curry-Hall syndrome; Ellis-van Creveld syndrome. Last evaluated: 2024-05-23. Review status: criteria provided, single submitter. Criteria: Invitae Variant Classification Sherloc (09022015). Collection method: clinical testing. Allele origin: germline.
Comment: This sequence change replaces proline, which is neutral and non-polar, with serine, which is neutral and polar, at codon 50 of the EVC2 protein (p.Pro50Ser). This variant is not present in population databases (gnomAD no frequency). This variant has not been reported in the literature in individuals affected with EVC2-related conditions. An algorithm developed to predict the effect of missense changes on protein structure and function (PolyPhen-2) suggests that this variant is likely to be tolerated. In summary, the available evidence is currently insufficient to determine the role of this variant in disease. Therefore, it has been classified as a Variant of Uncertain Significance.

NM_147127.5(EVC2):c.148C>T (p.Pro50Ser)

Gene: EVC2 (EvC ciliary complex subunit 2; minus strand). Cytogenetic location: 4p16.2.
Variant type: single nucleotide variant.
Coding change: c.148C>T on transcript NM_147127.5 (MANE Select); coding-DNA position 148, C replaced by T.
Protein change: p.Pro50Ser; replaces proline 50 with serine.
Molecular consequence: missense variant. On other transcripts: intron variant (1).
Genome position (GRCh38, 1-based): chr4:5,708,366, G>A on the plus strand (C>T on the coding strand, the complement: EVC2 is on the minus strand). VCF-style: chr4-5708366-G-A. GRCh37 (hg19) VCF-style: chr4-5710093-G-A.
Other names: c.-13+463C>T (NM_001166136.2); short protein forms P50S.
Identifiers: ClinVar variation 3749228 (VCV003749228.2).
Genomic context (GRCh38, chr4:5,708,366, plus strand): 5'-CCGCCCCGCTCCGCCCCGGAGGGATCCTCAGGCCGGGCCCAGACCTAGGAGCCACCTGGG[G>A]ATCCCGGGGTGGCTGCGCGCCGAGGGGGCGCCAGCGGGGACGTGAGCTGGCGCCGAGACA-3'
Protein context (NP_667338.3, residues 40-60): RPLGAQPPRD[Pro50Ser]QVAPRSGPGL